The following is an entry in ClinVar:

NM_001271.4(CHD2):c.692+1G>C

Gene: CHD2 (chromodomain helicase DNA binding protein 2; plus strand). Cytogenetic location: 15q26.1.
Variant type: single nucleotide variant.
Coding change: c.692+1G>C on transcript NM_001271.4 (MANE Select); the canonical splice donor site of the intron after coding-DNA position 692, G replaced by C.
Molecular consequence: splice donor variant.
Genome position (GRCh38, 1-based): chr15:92,939,719, G>C. VCF-style: chr15-92939719-G-C. GRCh37 (hg19) VCF-style: chr15-93482949-G-C.
Other names: c.692+1G>C (NM_001042572.3).
Identifiers: ClinVar variation 474397 (VCV000474397.4), dbSNP rs1555439036, ClinGen allele CA393900279.

ClinVar aggregate classification (germline): Likely pathogenic (1 of 4 stars; one submission).

Conditions:
Developmental and epileptic encephalopathy 94 (DEE94). Also called: CHD2-Related Neurodevelopmental Disorders; Epileptic encephalopathy, childhood-onset. Identifiers: Orphanet 1942, Orphanet 2382, MedGen C3809278, MONDO:0014150, OMIM 615369.

Submission:

Labcorp Genetics (formerly Invitae), Labcorp
Classification: Likely pathogenic for Developmental and epileptic encephalopathy 94. Last evaluated: 2019-03-29. Review status: criteria provided, single submitter. Criteria: Invitae Variant Classification Sherloc (09022015). Collection method: clinical testing. Allele origin: germline.
Comment: This sequence change affects a donor splice site in intron 7 of the CHD2 gene. It is expected to disrupt RNA splicing and likely results in an absent or disrupted protein product. This variant is not present in population databases (ExAC no frequency). This variant has not been reported in the literature in individuals with a CHD2-related disease. Algorithms developed to predict the effect of sequence changes on RNA splicing suggest that this variant may disrupt the consensus splice site, but this prediction has not been confirmed by published transcriptional studies. Donor and acceptor splice site variants typically lead to a loss of protein function (PMID: 16199547), and loss-of-function variants in CHD2 are known to be pathogenic (PMID: 24207121). In summary, the currently available evidence indicates that the variant is pathogenic, but additional data are needed to prove that conclusively. Therefore, this variant has been classified as Likely Pathogenic.

Literature cited by the submitters: PubMed 16199547; PubMed 24207121.